The following is an entry in ClinVar:

ClinVar aggregate classification (germline): Uncertain significance (1 of 4 stars; one submission).

Allele frequency attached by ClinVar (database versions not stated): gnomAD exomes below 0.00001; gnomAD 0.00001.
gnomAD v4.1: 3 of 1,207,110 alleles (0.00025%); highest among the groups gnomAD compares: Non-Finnish European, 0.00034%; no homozygotes.

Submission:

GeneDx
Classification: Uncertain significance. Last evaluated: 2019-08-15. Review status: criteria provided, single submitter. Criteria: GeneDx Variant Classification Process June 2021. Collection method: clinical testing. Allele origin: germline. Affected: yes.
Comment: In silico analysis, which includes protein predictors and evolutionary conservation, supports a deleterious effect; Has not been previously published as pathogenic or benign to our knowledge

NM_153252.5(BRWD3):c.577A>G (p.Arg193Gly)

Gene: BRWD3 (bromodomain and WD repeat domain containing 3; minus strand). Cytogenetic location: Xq21.1.
Variant type: single nucleotide variant.
Coding change: c.577A>G on transcript NM_153252.5 (MANE Select); coding-DNA position 577, A replaced by G.
Protein change: p.Arg193Gly; replaces arginine 193 with glycine.
Molecular consequence: missense variant.
Genome position (GRCh38, 1-based): chrX:80,745,583, T>C on the plus strand (A>G on the coding strand, the complement: BRWD3 is on the minus strand). VCF-style: chrX-80745583-T-C. GRCh37 (hg19) VCF-style: chrX-80001082-T-C.
Other names: short protein forms R193G.
Identifiers: ClinVar variation 1307837 (VCV001307837.2), dbSNP rs1344878944, ClinGen allele CA413607320.
Genomic context (GRCh38, chrX:80,745,583, plus strand): 5'-TGTTGTAATTCTATATATGTTACCATATTATAAATTTTACACTCACTGTAAAAATTCTTC[T>C]CCCGCTTCGGTCAAATGCTACACAGTAGACAGATGACAAGTGCCCCAGAATTCTCTTATG-3'
Protein context (NP_694984.5, residues 183-203): VYCVAFDRSG[Arg193Gly]RIFTGSDDCL